The following is an entry in ClinVar:

NM_014795.4(ZEB2):c.1309C>A (p.Gln437Lys)

Gene: ZEB2 (zinc finger E-box binding homeobox 2; minus strand). Cytogenetic location: 2q22.3.
Variant type: single nucleotide variant.
Coding change: c.1309C>A on transcript NM_014795.4 (MANE Select); coding-DNA position 1309, C replaced by A.
Protein change: p.Gln437Lys; replaces glutamine 437 with lysine.
Molecular consequence: missense variant.
Genome position (GRCh38, 1-based): chr2:144,399,878, G>T on the plus strand (C>A on the coding strand, the complement: ZEB2 is on the minus strand). VCF-style: chr2-144399878-G-T. GRCh37 (hg19) VCF-style: chr2-145157445-G-T.
Other names: c.1237C>A, p.Gln413Lys (NM_001171653.2); short protein forms Q437K, Q413K.
Identifiers: ClinVar variation 466275 (VCV000466275.10), dbSNP rs760437173, ClinGen allele CA1898351.
Genomic context (GRCh38, chr2:144,399,878, plus strand): 5'-AATTACTATTCATGGTGGGAAACCCAAGTAAAGGGGCTTCCATCCCTACACCTAAGTGCT[G>T]CATTGGACTCTGAGCAGATGGATGAACTCCTAAAGGGCTGGTGGCTCCAAGCCCACCATT-3'
Protein context (NP_055610.1, residues 427-447): GVHPSAQSPM[Gln437Lys]HLGVGMEAPL

ClinVar aggregate classification (germline): Uncertain significance (1 of 4 stars; one submission).

Conditions:
Mowat-Wilson syndrome (MOWS). Also called: Classic Mowat-Wilson Syndrome. Identifiers: Orphanet 2152, MedGen C1856113, MONDO:0009341, OMIM 235730.

Allele frequency attached by ClinVar (database versions not stated): gnomAD exomes below 0.00001 and 0.00001; TOPMed below 0.00001; ExAC 0.00001; gnomAD 0.00001.
gnomAD v4.1: 3 of 1,614,054 alleles (0.00019%); highest among the groups gnomAD compares: Non-Finnish European, 0.00017%; no homozygotes.

Submission:

Labcorp Genetics (formerly Invitae), Labcorp
Classification: Uncertain significance for Mowat-Wilson syndrome. Last evaluated: 2025-06-05. Review status: criteria provided, single submitter. Criteria: Invitae Variant Classification Sherloc (09022015). Collection method: clinical testing. Allele origin: germline.
Comment: This sequence change replaces glutamine, which is neutral and polar, with lysine, which is basic and polar, at codon 437 of the ZEB2 protein (p.Gln437Lys). This variant is present in population databases (rs760437173, gnomAD 0.002%). This variant has not been reported in the literature in individuals affected with ZEB2-related conditions. ClinVar contains an entry for this variant (Variation ID: 466275). Invitae Evidence Modeling incorporating data from in vitro experimental studies (internal data) indicates that this missense variant is not expected to disrupt ZEB2 function with a negative predictive value of 95%. In summary, the available evidence is currently insufficient to determine the role of this variant in disease. Therefore, it has been classified as a Variant of Uncertain Significance.